The following is an entry in ClinVar:

NM_006129.5(BMP1):c.1123T>G (p.Cys375Gly)

Gene: BMP1 (bone morphogenetic protein 1; plus strand). Cytogenetic location: 8p21.3.
Variant type: single nucleotide variant.
Coding change: c.1123T>G on transcript NM_006129.5 (MANE Select); coding-DNA position 1123, T replaced by G.
Protein change: p.Cys375Gly; replaces cysteine 375 with glycine.
Molecular consequence: missense variant. On other transcripts: non-coding transcript variant (2).
Genome position (GRCh38, 1-based): chr8:22,192,094, T>G. VCF-style: chr8-22192094-T-G. GRCh37 (hg19) VCF-style: chr8-22049607-T-G.
Other names: c.1123T>G, p.Cys375Gly (NM_001199.4); short protein forms C375G.
Identifiers: ClinVar variation 3261169 (VCV003261169.2).

ClinVar aggregate classification (germline): Uncertain significance. Review status: criteria provided, multiple submitters, no conflicts (2 of 4 stars). 2 submissions from 2 submitters: Uncertain significance (2). Last evaluated 2025-02-10.

Conditions:
Inborn genetic diseases. Identifiers: MedGen C0950123, MeSH D030342.

gnomAD v4.1: 27 of 1,614,028 alleles (0.0017%); highest among the groups gnomAD compares: Non-Finnish European, 0.0022%; no homozygotes.

Submissions (2):

GeneDx
Classification: Uncertain significance. Last evaluated: 2025-02-10. Review status: criteria provided, single submitter. Criteria: GeneDx Variant Classification Process June 2021. Collection method: clinical testing. Allele origin: germline. Affected: yes.
Comment: Not observed at significant frequency in large population cohorts (gnomAD); In silico analysis supports that this missense variant has a deleterious effect on protein structure/function; Has not been previously published as pathogenic or benign to our knowledge

Ambry Genetics
Classification: Uncertain significance for Inborn genetic diseases. Last evaluated: 2024-05-28. Review status: criteria provided, single submitter. Criteria: Ambry Variant Classification Scheme 2023. Collection method: clinical testing. Allele origin: germline.